The following is an entry in ClinVar:

NM_000155.4(GALT):c.371G>T (p.Gly124Val)

Gene: GALT (galactose-1-phosphate uridylyltransferase; plus strand). Cytogenetic location: 9p13.3.
Variant type: single nucleotide variant.
Coding change: c.371G>T on transcript NM_000155.4 (MANE Select); coding-DNA position 371, G replaced by T.
Protein change: p.Gly124Val; replaces glycine 124 with valine.
Molecular consequence: missense variant. On other transcripts: intron variant (1).
Genome position (GRCh38, 1-based): chr9:34,647,699, G>T. VCF-style: chr9-34647699-G-T. GRCh37 (hg19) VCF-style: chr9-34647696-G-T.
Other names: p.Gly124Val; c.51-133G>T (NM_001258332.2); short protein forms G124V.
Identifiers: ClinVar variation 2683037 (VCV002683037.4), dbSNP rs2492865051, ClinGen allele CA373280439.
Genomic context (GRCh38, chr9:34,647,699, plus strand): 5'-GATACTCCTTTACCTCAGGACCCAGTGATCATCCCCTTTTCCAAGCAAAGTCTGCTCGAG[G>T]AGTCTGGTAACTATGGATTTCCCCTCTTACAACTTTCAAACCAGAGTTGGAGACTCAGCA-3'
Protein context (NP_000146.2, residues 114-134): HPLFQAKSAR[Gly124Val]VCKVMCFHPW

ClinVar aggregate classification (germline): Uncertain significance. Review status: criteria provided, multiple submitters, no conflicts (2 of 4 stars). 2 submissions from 2 submitters: Uncertain significance (2). Last evaluated 2023-11-29.

Conditions:
Deficiency of UDPglucose-hexose-1-phosphate uridylyltransferase. Also called: GALACTOSEMIA I; GALT deficiency; Galactosemia, classic; GALACTOSE-1-PHOSPHATE URIDYLYLTRANSFERASE DEFICIENCY; Transferase Deficiency Galactosemia. Identifiers: Orphanet 352, Orphanet 79239, MedGen C0268151, MONDO:0009258, OMIM 230400.

Submissions (2):

Labcorp Genetics (formerly Invitae), Labcorp
Classification: Uncertain significance for Deficiency of UDPglucose-hexose-1-phosphate uridylyltransferase. Last evaluated: 2023-11-29. Review status: criteria provided, single submitter. Criteria: Invitae Variant Classification Sherloc (09022015). Collection method: clinical testing. Allele origin: germline.
Comment: This sequence change replaces glycine, which is neutral and non-polar, with valine, which is neutral and non-polar, at codon 124 of the GALT protein (p.Gly124Val). This variant is not present in population databases (gnomAD no frequency). This variant has not been reported in the literature in individuals affected with GALT-related conditions. Advanced modeling of protein sequence and biophysical properties (such as structural, functional, and spatial information, amino acid conservation, physicochemical variation, residue mobility, and thermodynamic stability) performed at Invitae indicates that this missense variant is expected to disrupt GALT protein function with a positive predictive value of 95%. In summary, the available evidence is currently insufficient to determine the role of this variant in disease. Therefore, it has been classified as a Variant of Uncertain Significance.

Mayo Clinic Laboratories, Mayo Clinic
Classification: Uncertain significance. Last evaluated: 2023-05-11. Review status: criteria provided, single submitter. Criteria: ACMG Guidelines, 2015. Collection method: clinical testing. Allele origin: germline. Observed: 1 variant allele.
Comment: PP3, PP4, PM2